The following is an entry in ClinVar:

ClinVar aggregate classification (germline): Uncertain significance. Review status: criteria provided, multiple submitters, no conflicts (2 of 4 stars). 2 submissions from 2 submitters: Uncertain significance (2). Last evaluated 2026-01-19.

Conditions:
Charcot-Marie-Tooth disease type 2E (CMT2E). Also called: CHARCOT-MARIE-TOOTH DISEASE, AXONAL, TYPE 2E; CHARCOT-MARIE-TOOTH NEUROPATHY, TYPE 2E. Identifiers: Orphanet 99939, MedGen C1843225, MONDO:0011894, OMIM 607684.

gnomAD v4.1: 7 of 1,613,544 alleles (0.00043%); highest among the groups gnomAD compares: Non-Finnish European, 0.00059%; no homozygotes.

Submissions (2):

Labcorp Genetics (formerly Invitae), Labcorp
Classification: Uncertain significance for Charcot-Marie-Tooth disease type 2E. Last evaluated: 2026-01-19. Review status: criteria provided, single submitter. Criteria: Invitae Variant Classification Sherloc (09022015). Collection method: clinical testing. Allele origin: germline.
Comment: This sequence change replaces glutamine, which is neutral and polar, with glutamic acid, which is acidic and polar, at codon 373 of the NEFL protein (p.Gln373Glu). This variant is present in population databases (rs757417962, gnomAD 0.004%). This variant has not been reported in the literature in individuals affected with NEFL-related conditions. Invitae Evidence Modeling of protein sequence and biophysical properties (such as structural, functional, and spatial information, amino acid conservation, physicochemical variation, residue mobility, and thermodynamic stability) indicates that this missense variant is expected to disrupt NEFL protein function with a positive predictive value of 80%. In summary, the available evidence is currently insufficient to determine the role of this variant in disease. Therefore, it has been classified as a Variant of Uncertain Significance.

Blueprint Genetics
Classification: Uncertain significance. Last evaluated: 2024-05-08. Review status: criteria provided, single submitter. Criteria: ACMG Guidelines, 2015. Collection method: clinical testing. Allele origin: germline.

NM_006158.5(NEFL):c.1117C>G (p.Gln373Glu)

Genes: NEFL (neurofilament light chain; minus strand), LOC126860330 (BRD4-independent group 4 enhancer GRCh37_chr8:24811677-24812876; plus strand). Cytogenetic location: 8p21.2.
Variant type: single nucleotide variant.
Coding change: c.1117C>G on transcript NM_006158.5 (MANE Select); coding-DNA position 1117, C replaced by G.
Protein change: p.Gln373Glu; replaces glutamine 373 with glutamic acid.
Molecular consequence: missense variant.
Genome position (GRCh38, 1-based): chr8:24,954,233, G>C on the plus strand (C>G on the coding strand, the complement: NEFL is on the minus strand). VCF-style: chr8-24954233-G-C. GRCh37 (hg19) VCF-style: chr8-24811747-G-C.
Other names: short protein forms Q373E.
Identifiers: ClinVar variation 4748885 (VCV004748885.2).